The following is an entry in ClinVar:

ClinVar aggregate classification (germline): Uncertain significance. Review status: criteria provided, multiple submitters, no conflicts (2 of 4 stars). 2 submissions from 2 submitters: Uncertain significance (2). Last evaluated 2025-04-17.

Conditions:
Tuberous sclerosis 2 (TSC2). Identifiers: Orphanet 805, MedGen C1860707, MONDO:0013199, OMIM 613254.

Submissions (2):

Labcorp Genetics (formerly Invitae), Labcorp
Classification: Uncertain significance for Tuberous sclerosis 2. Last evaluated: 2025-04-17. Review status: criteria provided, single submitter. Criteria: Invitae Variant Classification Sherloc (09022015). Collection method: clinical testing. Allele origin: germline.
Comment: This sequence change replaces histidine, which is basic and polar, with asparagine, which is neutral and polar, at codon 582 of the TSC2 protein (p.His582Asn). This variant is not present in population databases (gnomAD no frequency). This variant has not been reported in the literature in individuals affected with TSC2-related conditions. Invitae Evidence Modeling of protein sequence and biophysical properties (such as structural, functional, and spatial information, amino acid conservation, physicochemical variation, residue mobility, and thermodynamic stability) indicates that this missense variant is not expected to disrupt TSC2 protein function with a negative predictive value of 95%. In summary, the available evidence is currently insufficient to determine the role of this variant in disease. Therefore, it has been classified as a Variant of Uncertain Significance.

GeneDx
Classification: Uncertain significance. Last evaluated: 2025-02-10. Review status: criteria provided, single submitter. Criteria: GeneDx Variant Classification Process June 2021. Collection method: clinical testing. Allele origin: germline. Affected: yes.
Comment: Not observed at significant frequency in large population cohorts (gnomAD); In silico analysis supports that this missense variant has a deleterious effect on protein structure/function; Has not been previously published as pathogenic or benign to our knowledge

NM_000548.5(TSC2):c.1744C>A (p.His582Asn)

Gene: TSC2 (TSC complex subunit 2; plus strand). Cytogenetic location: 16p13.3.
Variant type: single nucleotide variant.
Coding change: c.1744C>A on transcript NM_000548.5 (MANE Select); coding-DNA position 1744, C replaced by A.
Protein change: p.His582Asn; replaces histidine 582 with asparagine.
Molecular consequence: missense variant. On other transcripts: non-coding transcript variant (5).
Genome position (GRCh38, 1-based): chr16:2,070,483, C>A. VCF-style: chr16-2070483-C-A. GRCh37 (hg19) VCF-style: chr16-2120484-C-A.
Other names: c.1744C>A, p.His582Asn (NM_001077183.3, NM_001114382.3, NM_001363528.2 and 6 more transcripts); c.1633C>A, p.His545Asn (NM_001318827.2, NM_001406670.1, NM_001406678.1); c.1597C>A, p.His533Asn (NM_001318829.2, NM_001406675.1, NM_001406676.1 and 1 more transcripts); c.1144C>A, p.His382Asn (NM_001318831.2, NM_001406688.1, NM_001406680.1 and 6 more transcripts); c.1777C>A, p.His593Asn (NM_001318832.2); c.1834C>A, p.His612Asn (NM_001406667.1, NM_001406668.1); c.1732C>A, p.His578Asn (NM_001406671.1, NM_001406673.1); c.1687C>A, p.His563Asn (NM_001406677.1); and 3 more; short protein forms H134N, H382N, H428N, H48N, H533N, H545N, H563N, H578N.
Identifiers: ClinVar variation 4074398 (VCV004074398.2).